The following is an entry in ClinVar:

ClinVar aggregate classification (germline): Uncertain significance. Review status: criteria provided, multiple submitters, no conflicts (2 of 4 stars). 8 submissions from 6 submitters: Uncertain significance (7). 1 of the submissions does not count toward it. Last evaluated 2025-10-07.

Conditions:
Usher syndrome type 1 (USH1). Also called: RETINITIS PIGMENTOSA AND CONGENITAL DEAFNESS. Identifiers: Orphanet 231169, Orphanet 886, MedGen C1568247, MONDO:0010168, OMIM 276900.
Autosomal recessive nonsyndromic hearing loss 2. Also called: NEUROSENSORY NONSYNDROMIC RECESSIVE DEAFNESS 2; DEAFNESS, AUTOSOMAL RECESSIVE 2. Identifiers: Orphanet 90636, MedGen C1838701, MONDO:0010807, OMIM 600060.
Autosomal dominant nonsyndromic hearing loss 11. Identifiers: Orphanet 90635, MedGen C1832475, MONDO:0011032, OMIM 601317.
Usher syndrome type 1B (USH1B). Also called: Usher syndrome type IB. Identifiers: MedGen C1848638, MONDO:0700087.

Allele frequency attached by ClinVar (database versions not stated): ExAC below 0.00001; gnomAD 0.00001 and 0.00002; TOPMed 0.00002; gnomAD exomes 0.00001.
gnomAD v4.1: 22 of 1,550,642 alleles (0.0014%); highest among the groups gnomAD compares: Middle Eastern, 0.023%; no homozygotes.

Submissions (8):

Dasa
Classification: Uncertain significance. Last evaluated: 2025-10-07. Review status: criteria provided, single submitter. Criteria: DASA Assertion Criteria. Collection method: clinical testing. Allele origin: germline.
Comment: NM_000260.4(MYO7A):c.5245C>T (p.Arg1749Trp) is a missense variant that results in the substitution of arginine with tryptophan. This variant is rare in population databases. The currently available literature and clinical evidence are not sufficient to establish a definitive association between this variant and the reported condition. Therefore, this variant is classified as a variant of uncertain significance.

Labcorp Genetics (formerly Invitae), Labcorp
Classification: Uncertain significance. Last evaluated: 2025-06-27. Review status: criteria provided, single submitter. Criteria: Invitae Variant Classification Sherloc (09022015). Collection method: clinical testing. Allele origin: germline.
Comment: This sequence change replaces arginine, which is basic and polar, with tryptophan, which is neutral and slightly polar, at codon 1749 of the MYO7A protein (p.Arg1749Trp). The frequency data for this variant in the population databases is considered unreliable, as metrics indicate poor data quality at this position in the gnomAD database. This missense change has been observed in individual(s) with clinical features of Usher syndrome (PMID: 22135276). ClinVar contains an entry for this variant (Variation ID: 862438). Invitae Evidence Modeling of protein sequence and biophysical properties (such as structural, functional, and spatial information, amino acid conservation, physicochemical variation, residue mobility, and thermodynamic stability) indicates that this missense variant is not expected to disrupt MYO7A protein function with a negative predictive value of 95%. In summary, the available evidence is currently insufficient to determine the role of this variant in disease. Therefore, it has been classified as a Variant of Uncertain Significance.

GeneDx
Classification: Uncertain significance. Last evaluated: 2024-01-05. Review status: criteria provided, single submitter. Criteria: GeneDx Variant Classification Process June 2021. Collection method: clinical testing. Allele origin: germline.
Comment: Reported in a patient with Usher syndrome in published literature; case level information not provided (PMID: 22135276); In silico analysis supports that this missense variant has a deleterious effect on protein structure/function; This variant is associated with the following publications: (PMID: 22135276)

Blueprint Genetics
Classification: Uncertain significance. Last evaluated: 2022-04-05. Review status: criteria provided, single submitter. Criteria: ACMG Guidelines, 2015. Collection method: clinical testing. Allele origin: germline.

Illumina Laboratory Services, Illumina
Classification: Uncertain significance for Autosomal recessive nonsyndromic hearing loss 2. Last evaluated: 2018-01-12. Review status: criteria provided, single submitter. Criteria: ICSL Variant Classification Criteria 13 December 2019. Collection method: clinical testing. Allele origin: germline.

Illumina Laboratory Services, Illumina
Classification: Uncertain significance for Autosomal dominant nonsyndromic hearing loss 11. Last evaluated: 2018-01-12. Review status: criteria provided, single submitter. Criteria: ICSL Variant Classification Criteria 13 December 2019. Collection method: clinical testing. Allele origin: germline.

Illumina Laboratory Services, Illumina
Classification: Uncertain significance for Usher syndrome type 1. Last evaluated: 2018-01-12. Review status: criteria provided, single submitter. Criteria: ICSL Variant Classification Criteria 13 December 2019. Collection method: clinical testing. Allele origin: germline.

Natera, Inc.
Classification: Uncertain significance for Usher syndrome type 1B. Last evaluated: 2020-07-19. Review status: no assertion criteria provided. Collection method: clinical testing. Allele origin: germline. Not counted in ClinVar's aggregate classification.

Literature cited by the submitters: PubMed 22135276 (cited by Labcorp Genetics (formerly Invitae), Labcorp).

NM_000260.4(MYO7A):c.5245C>T (p.Arg1749Trp)

Gene: MYO7A (myosin VIIA; plus strand). Cytogenetic location: 11q13.5.
Variant type: single nucleotide variant.
Coding change: c.5245C>T on transcript NM_000260.4 (MANE Select); coding-DNA position 5245, C replaced by T.
Protein change: p.Arg1749Trp; replaces arginine 1749 with tryptophan.
Molecular consequence: missense variant.
Genome position (GRCh38, 1-based): chr11:77,203,136, C>T. VCF-style: chr11-77203136-C-T. GRCh37 (hg19) VCF-style: chr11-76914181-C-T.
Other names: c.5131C>T, p.Arg1711Trp (NM_001127180.2); c.5098C>T, p.Arg1700Trp (NM_001369365.1); short protein forms R1749W, R1700W, R1711W.
Identifiers: ClinVar variation 862438 (VCV000862438.15), dbSNP rs757984734, ClinGen allele CA6198653.
Genomic context (GRCh38, chr11:77,203,136, plus strand): 5'-ACGCTGAGCCGTGTCATGGTGTCCAAGGCCCGAGGCAAGGACCGGCTGTGGAGCCACACG[C>T]GGGAACCGCTCAAGCAGGCGCTGCTCAAGAAGCTCCTGGGCAGTGAGGAGCTCTCGCAGG-3'
Protein context (NP_000251.3, residues 1739-1759): RGKDRLWSHT[Arg1749Trp]EPLKQALLKK